The following is an entry in ClinVar:

ClinVar aggregate classification (germline): Uncertain significance (1 of 4 stars; one submission).

Conditions:
Colorectal cancer, hereditary nonpolyposis, type 7. Identifiers: Orphanet 144, MedGen C1858380, MONDO:0013725, OMIM 614385.

Submission:

Labcorp Genetics (formerly Invitae), Labcorp
Classification: Uncertain significance for Colorectal cancer, hereditary nonpolyposis, type 7. Last evaluated: 2023-11-16. Review status: criteria provided, single submitter. Criteria: Invitae Variant Classification Sherloc (09022015). Collection method: clinical testing. Allele origin: germline.
Comment: This sequence change creates a premature translational stop signal (p.Val1299Glufs*18) in the MLH3 gene. It is expected to result in an absent or disrupted protein product. However, the current clinical and genetic evidence is not sufficient to establish whether loss-of-function variants in MLH3 cause disease. This variant is not present in population databases (gnomAD no frequency). This variant has not been reported in the literature in individuals affected with MLH3-related conditions. In summary, the available evidence is currently insufficient to determine the role of this variant in disease. Therefore, it has been classified as a Variant of Uncertain Significance.

NM_001040108.2(MLH3):c.3893_3894insAGAG (p.Val1299fs)

Gene: MLH3 (mutL homolog 3; minus strand). Cytogenetic location: 14q24.3.
Variant type: Insertion.
Coding change: c.3893_3894insAGAG on transcript NM_001040108.2 (MANE Select); coding-DNA positions 3893 to 3894, AGAG inserted.
Protein change: p.Val1299fs; shifts the reading frame from valine 1299.
Molecular consequence: frameshift variant.
Genome position: GRCh38 VCF-style: chr14-75030636-C-CCTCT. GRCh37 (hg19) VCF-style: chr14-75497339-C-CCTCT.
Other names: c.3821_3822insAGAG, p.Val1275fs (NM_014381.3); short protein forms V1299fs, V1275fs.
Identifiers: ClinVar variation 2696352 (VCV002696352.3), dbSNP rs2503118028, ClinGen allele CA2697554028.
Genomic context (GRCh38, chr14:75,030,636, plus strand): 5'-TCTCCGAAGTTCATTGGCTTCTCTTTCCACAAAACATAGTGGTACTTTTCCCACAAGGAC[C>CCTCT]AGAGAATCACTAGTGTCTGGAAATACAAATTCAAGGCCCAGATCTTCCAGATTTTTGTGG-3'